The following is an entry in ClinVar:

ClinVar aggregate classification (germline): Benign. Review status: criteria provided, single submitter (1 of 4 stars). 2 submissions from 2 submitters: Benign (1). 1 of the submissions does not count toward it. Last evaluated 2018-03-29.

Conditions:
LRP1-related disorder. Also called: LRP1-related condition.

Allele frequency attached by ClinVar (database versions not stated): gnomAD exomes 0.00018 and 0.00005; ExAC 0.00030; 1000 Genomes Project 0.00040; 1000 Genomes Project 30x 0.00047; gnomAD 0.00063 and 0.00070; TOPMed 0.00077; ESP Exome Variant Server 0.00131.
gnomAD v4.1: 171 of 1,614,122 alleles (0.011%); highest among the groups gnomAD compares: African/African-American, 0.2%; 1 homozygote.

Submissions (2):

Labcorp Genetics (formerly Invitae), Labcorp
Classification: Benign. Last evaluated: 2018-03-29. Review status: criteria provided, single submitter. Criteria: Invitae Variant Classification Sherloc (09022015). Collection method: clinical testing. Allele origin: germline.

PreventionGenetics, part of Exact Sciences
Classification: Likely benign for LRP1-related condition. Last evaluated: 2019-04-04. Review status: no assertion criteria provided. Collection method: clinical testing. Allele origin: germline. Not counted in ClinVar's aggregate classification.
Comment: This variant is classified as likely benign based on ACMG/AMP sequence variant interpretation guidelines (Richards et al. 2015 PMID: 25741868, with internal and published modifications).

NM_002332.3(LRP1):c.8442C>T (p.Tyr2814=)

Gene: LRP1 (LDL receptor related protein 1; plus strand). Cytogenetic location: 12q13.3.
Variant type: single nucleotide variant.
Coding change: c.8442C>T on transcript NM_002332.3 (MANE Select); coding-DNA position 8442, C replaced by T.
Protein change: p.Tyr2814=; no amino-acid change (tyrosine 2814 retained).
Molecular consequence: synonymous variant.
Genome position (GRCh38, 1-based): chr12:57,195,662, C>T. VCF-style: chr12-57195662-C-T. GRCh37 (hg19) VCF-style: chr12-57589445-C-T.
Identifiers: ClinVar variation 738450 (VCV000738450.5), dbSNP rs35605204, ClinGen allele CA6644395.
Genomic context (GRCh38, chr12:57,195,662, plus strand): 5'-GACGGTCGGCCGCTGGCCAGGCAGGGCTGAAGGGCTGTGTCCACCTCTGTCCACAGTGTA[C>T]AACAGCACTTGTGACGACCGTGAGTTCATGTGCCAGAACCGCCAGTGCATCCCCAAGCAC-3'
Protein context (NP_002323.2, residues 2804-2824): ADESIAAGCL[Tyr2814=]NSTCDDREFM